The following is an entry in ClinVar:

NM_002691.4(POLD1):c.2899C>G (p.Leu967Val)

Gene: POLD1 (DNA polymerase delta 1, catalytic subunit; plus strand). Cytogenetic location: 19q13.33.
Variant type: single nucleotide variant.
Coding change: c.2899C>G on transcript NM_002691.4 (MANE Select); coding-DNA position 2899, C replaced by G.
Protein change: p.Leu967Val; replaces leucine 967 with valine.
Molecular consequence: missense variant. On other transcripts: non-coding transcript variant (1).
Genome position (GRCh38, 1-based): chr19:50,416,474, C>G. VCF-style: chr19-50416474-C-G. GRCh37 (hg19) VCF-style: chr19-50919731-C-G.
Other names: c.2899C>G, p.Leu967Val (NM_001256849.1); c.2977C>G, p.Leu993Val (NM_001308632.1); short protein forms L967V, L993V.
Identifiers: ClinVar variation 3308290 (VCV003308290.1).

ClinVar aggregate classification (germline): Uncertain significance (1 of 4 stars; one submission).

Conditions:
Hereditary cancer-predisposing syndrome. Also called: Tumor predisposition; Hereditary Cancer Syndrome; Hereditary neoplastic syndrome; Neoplastic Syndromes, Hereditary. Identifiers: Orphanet 140162, MedGen C0027672, MeSH D009386, MONDO:0015356.

Submission:

Ambry Genetics
Classification: Uncertain significance for Hereditary cancer-predisposing syndrome. Last evaluated: 2024-05-02. Review status: criteria provided, single submitter. Criteria: Ambry Variant Classification Scheme 2023. Collection method: clinical testing. Allele origin: germline.
Comment: The p.L967V variant (also known as c.2899C>G), located in coding exon 22 of the POLD1 gene, results from a C to G substitution at nucleotide position 2899. The leucine at codon 967 is replaced by valine, an amino acid with highly similar properties. This amino acid position is conserved. In addition, this alteration is predicted to be tolerated by in silico analysis. Based on the available evidence, the clinical significance of this variant remains unclear.